The following is an entry in ClinVar:

ClinVar aggregate classification (germline): Uncertain significance (1 of 4 stars; one submission).

Conditions:
Amyotrophic lateral sclerosis type 1 (ALS1). Also called: AMYOTROPHIC LATERAL SCLEROSIS 1, FAMILIAL. Identifiers: Orphanet 803, MedGen C1862939, MONDO:0007103, OMIM 105400.
Perry syndrome. Also called: PARKINSONISM WITH ALVEOLAR HYPOVENTILATION AND MENTAL DEPRESSION. Identifiers: Orphanet 178509, MedGen C1868594, MONDO:0008201, OMIM 168605.
Neuronopathy, distal hereditary motor, type 7B. Also called: HMN VIIB; LOWER MOTOR NEURON DISEASE, DYNACTIN TYPE; NEURONOPATHY, DISTAL HEREDITARY MOTOR, AUTOSOMAL DOMINANT 14; NEURONOPATHY, DISTAL HEREDITARY MOTOR, HARDING TYPE VIIB; NEUROPATHY, DISTAL HEREDITARY MOTOR, HARDING TYPE VIIB; NEUROPATHY, DISTAL HEREDITARY MOTOR, WITH VOCAL CORD PARALYSIS, HARDING TYPE VIIB. Identifiers: Orphanet 139589, MedGen C1843315, MONDO:0011879, OMIM 607641.

Submission:

Labcorp Genetics (formerly Invitae), Labcorp
Classification: Uncertain significance for Amyotrophic lateral sclerosis type 1; Neuronopathy, distal hereditary motor, type 7B; Perry syndrome. Last evaluated: 2021-07-02. Review status: criteria provided, single submitter. Criteria: Invitae Variant Classification Sherloc (09022015). Collection method: clinical testing. Allele origin: germline.
Comment: This sequence change replaces serine with arginine at codon 661 of the DCTN1 protein (p.Ser661Arg). The serine residue is highly conserved and there is a moderate physicochemical difference between serine and arginine. This variant is not present in population databases (ExAC no frequency). This variant has not been reported in the literature in individuals affected with DCTN1-related conditions. Algorithms developed to predict the effect of missense changes on protein structure and function (SIFT, PolyPhen-2, Align-GVGD) all suggest that this variant is likely to be disruptive. In summary, the available evidence is currently insufficient to determine the role of this variant in disease. Therefore, it has been classified as a Variant of Uncertain Significance.

NM_004082.5(DCTN1):c.1983C>A (p.Ser661Arg)

Gene: DCTN1 (dynactin subunit 1; minus strand). Cytogenetic location: 2p13.1.
Variant type: single nucleotide variant.
Coding change: c.1983C>A on transcript NM_004082.5 (MANE Select); coding-DNA position 1983, C replaced by A.
Protein change: p.Ser661Arg; replaces serine 661 with arginine.
Molecular consequence: missense variant. On other transcripts: non-coding transcript variant (1).
Genome position (GRCh38, 1-based): chr2:74,368,003, G>T on the plus strand (C>A on the coding strand, the complement: DCTN1 is on the minus strand). VCF-style: chr2-74368003-G-T. GRCh37 (hg19) VCF-style: chr2-74595130-G-T.
Other names: c.1923C>A, p.Ser641Arg (NM_001135040.3); c.1581C>A, p.Ser527Arg (NM_001135041.3, NM_023019.4); c.1872C>A, p.Ser624Arg (NM_001190836.2); c.1962C>A, p.Ser654Arg (NM_001190837.2); c.1932C>A, p.Ser644Arg (NM_001378991.1); c.1914C>A, p.Ser638Arg (NM_001378992.1); short protein forms S654R, S661R, S527R, S641R, S644R, S624R, S638R.
Identifiers: ClinVar variation 1467361 (VCV001467361.8), dbSNP rs2103632771, ClinGen allele CA347351905.